The following is an entry in ClinVar:

NM_001387274.1(DCDC1):c.409G>A (p.Val137Ile)

Gene: DCDC1 (doublecortin domain containing 1; minus strand). Cytogenetic location: 11p13.
Variant type: single nucleotide variant.
Coding change: c.409G>A on transcript NM_001387274.1 (MANE Select); coding-DNA position 409, G replaced by A.
Protein change: p.Val137Ile; replaces valine 137 with isoleucine.
Molecular consequence: missense variant. On other transcripts: non-coding transcript variant (1).
Genome position (GRCh38, 1-based): chr11:31,307,664, C>T on the plus strand (G>A on the coding strand, the complement: DCDC1 is on the minus strand). VCF-style: chr11-31307664-C-T. GRCh37 (hg19) VCF-style: chr11-31329211-C-T.
Other names: c.409G>A, p.Val137Ile (NM_001367979.1, NM_181807.4); short protein forms V137I.
Identifiers: ClinVar variation 3722560 (VCV003722560.2).

ClinVar aggregate classification (germline): Uncertain significance (1 of 4 stars; one submission).

Submission:

Labcorp Genetics (formerly Invitae), Labcorp
Classification: Uncertain significance. Last evaluated: 2024-10-09. Review status: criteria provided, single submitter. Criteria: Invitae Variant Classification Sherloc (09022015). Collection method: clinical testing. Allele origin: germline.
Comment: This sequence change replaces valine, which is neutral and non-polar, with isoleucine, which is neutral and non-polar, at codon 137 of the DCDC1 protein (p.Val137Ile). This variant is not present in population databases (gnomAD no frequency). This variant has not been reported in the literature in individuals affected with DCDC1-related conditions. An algorithm developed to predict the effect of missense changes on protein structure and function (PolyPhen-2) suggests that this variant is likely to be tolerated. In summary, the available evidence is currently insufficient to determine the role of this variant in disease. Therefore, it has been classified as a Variant of Uncertain Significance.